The following is an entry in ClinVar:

ClinVar aggregate classification (germline): Uncertain significance (1 of 4 stars; one submission).

Allele frequency attached by ClinVar (database versions not stated): gnomAD exomes below 0.00001.
gnomAD v4.1: 1 of 985,448 alleles (0.0001%); highest among the groups gnomAD compares: Non-Finnish European, 0.00012%; no homozygotes.

Submission:

GeneDx
Classification: Uncertain significance. Last evaluated: 2024-06-17. Review status: criteria provided, single submitter. Criteria: GeneDx Variant Classification Process June 2021. Collection method: clinical testing. Allele origin: germline. Affected: yes.
Comment: Has not been previously published as pathogenic or benign to our knowledge; No data available from control populations to assess the frequency of this variant; In silico analysis is inconclusive as to whether the variant alters gene splicing. In the absence of RNA/functional studies, the actual effect of this sequence change is unknown.; Reported using an alternate transcript of the gene

NM_012250.6(RRAS2):c.108+509A>G

Gene: RRAS2 (RAS related 2; minus strand). Cytogenetic location: 11p15.2.
Variant type: single nucleotide variant.
Coding change: c.108+509A>G on transcript NM_012250.6 (MANE Select); 509 bases into the intron after coding-DNA position 108, A replaced by G.
Molecular consequence: intron variant. On other transcripts: 5 prime UTR variant (3).
Genome position (GRCh38, 1-based): chr11:14,358,254, T>C on the plus strand (A>G on the coding strand, the complement: RRAS2 is on the minus strand). VCF-style: chr11-14358254-T-C. GRCh37 (hg19) VCF-style: chr11-14379800-T-C.
Other names: c.-140A>G (NM_001177315.2, NM_001440710.1); c.-138A>G (NM_001440715.1); c.3+6137A>G (NM_001177314.2); c.108+509A>G (NM_001440708.1); c.-124+3A>G (NM_001102669.3, NM_001440711.1).
Identifiers: ClinVar variation 2136007 (VCV002136007.2), dbSNP rs2493949672, ClinGen allele CA2580082819.